The following is an entry in ClinVar:

NM_005633.4(SOS1):c.3105A>C (p.Leu1035=)

Gene: SOS1 (SOS Ras/Rac guanine nucleotide exchange factor 1; minus strand). Cytogenetic location: 2p22.1.
Variant type: single nucleotide variant.
Coding change: c.3105A>C on transcript NM_005633.4 (MANE Select); coding-DNA position 3105, A replaced by C.
Protein change: p.Leu1035=; no amino-acid change (leucine 1035 retained).
Molecular consequence: synonymous variant.
Genome position (GRCh38, 1-based): chr2:38,995,364, T>G on the plus strand (A>C on the coding strand, the complement: SOS1 is on the minus strand). VCF-style: chr2-38995364-T-G. GRCh37 (hg19) VCF-style: chr2-39222505-T-G.
Other names: c.3105A>C (NM_005633.3); c.3084A>C, p.Leu1028= (NM_001382394.1); c.3105A>C, p.Leu1035= (NM_001382395.1).
Identifiers: ClinVar variation 1586333 (VCV001586333.34), dbSNP rs749104275, ClinGen allele CA425728886.
Genomic context (GRCh38, chr2:38,995,364, plus strand): 5'-AGGTGTGGGATGCCTCATGGTACCTGGTCTTGGGTTTGATGGACGAACACCAGGAGATTT[T>G]AGGGGATAGCTATATTTTTTTGGCTGTAGACATATCAAAAGAAACACAATACTTTAAACA-3'
Protein context (NP_005624.2, residues 1025-1045): PRFPKKYSYP[Leu1035=]KSPGVRPSNP

ClinVar aggregate classification (germline): Likely benign. Review status: criteria provided, multiple submitters, no conflicts (2 of 4 stars). 3 submissions from 3 submitters: Likely benign (3). Last evaluated 2025-08-05.

Conditions:
Cardiovascular phenotype. Identifiers: MedGen CN230736.
RASopathy. Also called: rasopathies; Noonan spectrum disorder. Identifiers: Orphanet 536391, MedGen C5555857, MONDO:0021060.

Allele frequency attached by ClinVar (database versions not stated): gnomAD 0.00001.
gnomAD v4.1: 10 of 1,613,452 alleles (0.00062%); highest among the groups gnomAD compares: Non-Finnish European, 0.00085%; no homozygotes.

Submissions (3):

Labcorp Genetics (formerly Invitae), Labcorp
Classification: Likely benign for RASopathy. Last evaluated: 2025-08-05. Review status: criteria provided, single submitter. Criteria: Invitae Variant Classification Sherloc (09022015). Collection method: clinical testing. Allele origin: germline.

Ambry Genetics
Classification: Likely benign for Cardiovascular phenotype. Last evaluated: 2023-07-15. Review status: criteria provided, single submitter. Criteria: Ambry Variant Classification Scheme 2023. Collection method: clinical testing. Allele origin: germline.

CeGaT Center for Human Genetics Tuebingen
Classification: Likely benign. Last evaluated: 2022-11-01. Review status: criteria provided, single submitter. Criteria: CeGaT Center For Human Genetics Tuebingen Variant Classification Criteria Version 2. Collection method: clinical testing. Allele origin: germline. Affected: yes. Observed: 1 variant allele.
Comment: SOS1: BP4, BP7